The following is an entry in ClinVar:

ClinVar aggregate classification (germline): Likely benign. Review status: criteria provided, multiple submitters, no conflicts (2 of 4 stars). 2 submissions from 2 submitters: Likely benign (2). Last evaluated 2025-06-17.

Conditions:
Epidermolysis bullosa simplex, Ogna type (EBS5A). Also called: Pidermolysis bullosa simplex 5A, Ogna type; EPIDERMOLYSIS BULLOSA SIMPLEX 5A, OGNA TYPE. Identifiers: Orphanet 79401, MedGen C0432317, MONDO:0007555, OMIM 131950.
Epidermolysis bullosa simplex with nail dystrophy (EBS5D). Identifiers: MedGen C4225309, MONDO:0014661, OMIM 616487.
Autosomal recessive limb-girdle muscular dystrophy type 2Q (LGMDR17). Also called: MUSCULAR DYSTROPHY, LIMB-GIRDLE, AUTOSOMAL RECESSIVE 17. Identifiers: Orphanet 254361, MedGen C3150989, MONDO:0013390, OMIM 613723.
Epidermolysis bullosa simplex 5B, with muscular dystrophy (EBS5B). Also called: EPIDERMOLYSIS BULLOSA SIMPLEX AND LIMB-GIRDLE MUSCULAR DYSTROPHY; Epidermolysis bullosa simplex with muscular dystrophy. Identifiers: Orphanet 257, MedGen C2931072, MONDO:0009181, OMIM 226670.
Epidermolysis bullosa simplex 5C, with pyloric atresia (EBS5C). Also called: Epidermolysis bullosa simplex with pyloric atresia; PLEC1-Related Epidermolysis Bullosa with Pyloric Atresia; PLEC-Related Epidermolysis Bullosa with Pyloric Atresia. Identifiers: Orphanet 158684, MedGen C2677349, MONDO:0012807, OMIM 612138.
PLEC-related disorder. Also called: PLEC-related condition; PLEC-related disorders.

Allele frequency attached by ClinVar (database versions not stated): TOPMed below 0.00001; gnomAD 0.00001 and 0.00003; gnomAD exomes 0.00001 and 0.00002; ExAC 0.00002.
gnomAD v4.1: 20 of 1,602,820 alleles (0.0012%); highest among the groups gnomAD compares: East Asian, 0.013%; no homozygotes.

Submissions (2):

Labcorp Genetics (formerly Invitae), Labcorp
Classification: Likely benign for Autosomal recessive limb-girdle muscular dystrophy type 2Q; Epidermolysis bullosa simplex, Ogna type; Epidermolysis bullosa simplex with nail dystrophy; Epidermolysis bullosa simplex 5C, with pyloric atresia; Epidermolysis bullosa simplex 5B, with muscular dystrophy. Last evaluated: 2025-06-17. Review status: criteria provided, single submitter. Criteria: Invitae Variant Classification Sherloc (09022015). Collection method: clinical testing. Allele origin: germline.

PreventionGenetics, part of Exact Sciences
Classification: Likely benign for PLEC-related condition. Last evaluated: 2025-04-01. Review status: criteria provided, single submitter. Criteria: ACMG Guidelines, 2015. Collection method: clinical testing. Allele origin: germline.
Comment: This variant is classified as likely benign based on ACMG/AMP sequence variant interpretation guidelines (Richards et al. 2015 PMID: 25741868, with internal and published modifications).

NM_201384.3(PLEC):c.6768G>A (p.Leu2256=)

Gene: PLEC (plectin; minus strand). Cytogenetic location: 8q24.3.
Variant type: single nucleotide variant.
Coding change: c.6768G>A on transcript NM_201384.3 (MANE Select); coding-DNA position 6768, G replaced by A.
Protein change: p.Leu2256=; no amino-acid change (leucine 2256 retained).
Molecular consequence: synonymous variant.
Genome position (GRCh38, 1-based): chr8:143,923,161, C>T on the plus strand (G>A on the coding strand, the complement: PLEC is on the minus strand). VCF-style: chr8-143923161-C-T. GRCh37 (hg19) VCF-style: chr8-144997329-C-T.
Other names: c.6849G>A, p.Leu2283= (NM_000445.5); c.6726G>A, p.Leu2242= (NM_201378.4); c.6702G>A, p.Leu2234= (NM_201379.3); c.7179G>A, p.Leu2393= (NM_201380.4); c.6672G>A, p.Leu2224= (NM_201381.3); c.6768G>A, p.Leu2256= (NM_201382.4); c.6780G>A, p.Leu2260= (NM_201383.3); c.6849G>A (NM_000445.4).
Identifiers: ClinVar variation 1586001 (VCV001586001.9), dbSNP rs781875346, ClinGen allele CA4925870.